The following is an entry in ClinVar:

NM_000551.4(VHL):c.340+666del

Genes: VHL (von Hippel-Lindau tumor suppressor; plus strand), LOC107303340 (3p25 von Hippel-Lindau tumor suppressor, E3 ubiquitin protein ligase Alu-mediated recombination region; plus strand). Cytogenetic location: 3p25.3.
Variant type: Deletion.
Coding change: c.340+666del on transcript NM_000551.4 (MANE Select); 666 bases into the intron after coding-DNA position 340, one base deleted (G; older notation c.340+666delG).
Molecular consequence: intron variant. On other transcripts: frameshift variant (1).
Genome position (GRCh38, 1-based): chr3:10,142,853, G deleted; the last of 2 consecutive G bases (chr3:10,142,852-10,142,853); deleting either gives the same sequence. VCF-style (leftmost placement, unchanged base first): chr3-10142851-AG-A. GRCh37 (hg19) VCF-style: chr3-10184535-AG-A.
Other names: c.431del, p.Gly144fs (NM_001354723.2); c.340+666del (NM_198156.3); short protein forms G144fs.
Identifiers: ClinVar variation 1056260 (VCV001056260.9), dbSNP rs2125125944, ClinGen allele CA2499216363.

ClinVar aggregate classification (germline): Uncertain significance (1 of 4 stars; one submission).

Conditions:
Chuvash polycythemia. Also called: POLYCYTHEMIA, VHL-DEPENDENT. Identifiers: Orphanet 238557, MedGen C1837915, MONDO:0009892, OMIM 263400.
Von Hippel-Lindau syndrome (VHLS). Also called: Von Hippel-Lindau; von Hippel–Lindau syndrome; VHL syndrome. Identifiers: Orphanet 892, MedGen C0019562, MONDO:0008667, OMIM 193300. Disease mechanism: loss of function.

Submission:

Labcorp Genetics (formerly Invitae), Labcorp
Classification: Uncertain significance for Von Hippel-Lindau syndrome; Chuvash polycythemia. Last evaluated: 2023-08-23. Review status: criteria provided, single submitter. Criteria: Invitae Variant Classification Sherloc (09022015). Collection method: clinical testing. Allele origin: germline.
Comment: In summary, the available evidence is currently insufficient to determine the role of this variant in disease. Therefore, it has been classified as a Variant of Uncertain Significance. Algorithms developed to predict the effect of sequence changes on RNA splicing suggest that this variant is not likely to affect RNA splicing. Experimental studies and prediction algorithms are not available or were not evaluated, and the functional significance of this variant is currently unknown. ClinVar contains an entry for this variant (Variation ID: 1056260). This variant has not been reported in the literature in individuals affected with VHL-related conditions. This variant is not present in population databases (gnomAD no frequency). This sequence change falls in intron 1 of the VHL gene. It is not expected to change the encoded amino acid sequence of the VHL protein. However, this sequence change falls within a cryptic exon in the VHL gene, known as exon E1’, which is naturally expressed at low levels in several human tissues (PMID: 29891534).

Literature cited by the submitters: PubMed 29891534.